The following is an entry in ClinVar:

ClinVar aggregate classification (germline): Uncertain significance (1 of 4 stars; one submission).

Conditions:
Familial thoracic aortic aneurysm and aortic dissection (TAAD). Also called: Thoracic aortic aneurysms and dissections. Identifiers: Orphanet 91387, MedGen C4707243, MONDO:0019625.

Submission:

Ambry Genetics
Classification: Uncertain significance for Familial thoracic aortic aneurysm and aortic dissection. Last evaluated: 2023-07-16. Review status: criteria provided, single submitter. Criteria: Ambry Variant Classification Scheme 2023. Collection method: clinical testing. Allele origin: germline.
Comment: The p.A21S variant (also known as c.61G>T), located in coding exon 1 of the ACTA2 gene, results from a G to T substitution at nucleotide position 61. The alanine at codon 21 is replaced by serine, an amino acid with similar properties. This amino acid position is conserved. In addition, this alteration is predicted to be deleterious by in silico analysis. Since supporting evidence is limited at this time, the clinical significance of this alteration remains unclear.

NM_001613.4(ACTA2):c.61G>T (p.Ala21Ser)

Gene: ACTA2 (actin alpha 2, smooth muscle; minus strand). Cytogenetic location: 10q23.31.
Variant type: single nucleotide variant.
Coding change: c.61G>T on transcript NM_001613.4 (MANE Select); coding-DNA position 61, G replaced by T.
Protein change: p.Ala21Ser; replaces alanine 21 with serine.
Molecular consequence: missense variant.
Genome position (GRCh38, 1-based): chr10:88,948,870, C>A on the plus strand (G>T on the coding strand, the complement: ACTA2 is on the minus strand). VCF-style: chr10-88948870-C-A. GRCh37 (hg19) VCF-style: chr10-90708627-C-A.
Other names: c.61G>T, p.Ala21Ser (NM_001141945.3, NM_001320855.2, NM_001406462.1 and 7 more transcripts); short protein forms A21S.
Identifiers: ClinVar variation 2585753 (VCV002585753.2), dbSNP rs2494578519, ClinGen allele CA377513720.